The following is an entry in ClinVar:

NM_000969.5(RPL5):c.601G>A (p.Gly201Ser)

Genes: DIPK1A (divergent protein kinase domain 1A; minus strand), RPL5 (ribosomal protein L5; plus strand). Cytogenetic location: 1p22.1.
Variant type: single nucleotide variant.
Coding change: c.601G>A on transcript NM_000969.5 (MANE Select); coding-DNA position 601, G replaced by A.
Protein change: p.Gly201Ser; replaces glycine 201 with serine.
Molecular consequence: missense variant. On other transcripts: non-coding transcript variant (1), intron variant (1).
Genome position (GRCh38, 1-based): chr1:92,837,529, G>A. VCF-style: chr1-92837529-G-A. GRCh37 (hg19) VCF-style: chr1-93303086-G-A.
Other names: c.475-4495C>T (NM_001252273.2); short protein forms G201S.
Identifiers: ClinVar variation 2801405 (VCV002801405.3), dbSNP rs2524462350, ClinGen allele CA341242923.

ClinVar aggregate classification (germline): Uncertain significance (1 of 4 stars; one submission).

Conditions:
Diamond-Blackfan anemia. Also called: Blackfan Diamond syndrome; Aregenerative anemia chronic congenital; Red cell aplasia, pure hereditary; Congenital hypoplastic anemia; Aase syndrome. Identifiers: Orphanet 124, MedGen C1260899, MeSH D029503, MONDO:0015253, HP:0004810.

Submission:

Labcorp Genetics (formerly Invitae), Labcorp
Classification: Uncertain significance for Diamond-Blackfan anemia. Last evaluated: 2023-02-21. Review status: criteria provided, single submitter. Criteria: Invitae Variant Classification Sherloc (09022015). Collection method: clinical testing. Allele origin: germline.
Comment: This variant has not been reported in the literature in individuals affected with RPL5-related conditions. In summary, the available evidence is currently insufficient to determine the role of this variant in disease. Therefore, it has been classified as a Variant of Uncertain Significance. Advanced modeling of protein sequence and biophysical properties (such as structural, functional, and spatial information, amino acid conservation, physicochemical variation, residue mobility, and thermodynamic stability) performed at Invitae indicates that this missense variant is expected to disrupt RPL5 protein function. This variant is not present in population databases (gnomAD no frequency). This sequence change replaces glycine, which is neutral and non-polar, with serine, which is neutral and polar, at codon 201 of the RPL5 protein (p.Gly201Ser).